The following is an entry in ClinVar:

NM_000038.6(APC):c.1958+5A>G

Gene: APC (APC regulator of Wnt signaling pathway; plus strand). Cytogenetic location: 5q22.2.
Variant type: single nucleotide variant.
Coding change: c.1958+5A>G on transcript NM_000038.6 (MANE Select); 5 bases into the intron after coding-DNA position 1958, A replaced by G.
Molecular consequence: intron variant.
Genome position (GRCh38, 1-based): chr5:112,835,170, A>G. VCF-style: chr5-112835170-A-G. GRCh37 (hg19) VCF-style: chr5-112170867-A-G.
Other names: c.1958+5A>G (NM_001354895.2, NM_001127510.3); c.1988+5A>G (NM_001354897.2); c.1685+5A>G (NM_001354902.2); c.1904+5A>G (NM_001127511.3); c.1883+5A>G (NM_001354898.2); c.1580+5A>G (NM_001354904.2); c.1109+5A>G (NM_001354906.2); c.2012+5A>G (NM_001354896.2); and 5 more.
Identifiers: ClinVar variation 391021 (VCV000391021.22), dbSNP rs762899641, ClinGen allele CA030218.
Genomic context (GRCh38, chr5:112,835,170, plus strand): 5'-GGAGGTGGGATATTACGGAATGTGTCCAGCTTGATAGCTACAAATGAGGACCACAGGTAT[A>G]TATAGAGTTTTATATTACTTTTAAAGTACAGAATTCATACTCTCAAAAAGACCTAATTGT-3'

ClinVar aggregate classification (germline): Benign/Likely benign. Review status: criteria provided, multiple submitters, no conflicts (2 of 4 stars). 7 submissions from 7 submitters: Benign (1); Likely benign (5). 1 of the submissions does not count toward it. Last evaluated 2026-02-03.

Conditions:
Hereditary cancer-predisposing syndrome. Also called: Hereditary neoplastic syndrome; Hereditary Cancer Syndrome; Tumor predisposition; Neoplastic Syndromes, Hereditary. Identifiers: Orphanet 140162, MedGen C0027672, MeSH D009386, MONDO:0015356.
Familial adenomatous polyposis 1 (FAP1). Also called: FAMILIAL ADENOMATOUS POLYPOSIS 1, ATTENUATED; POLYPOSIS, ADENOMATOUS INTESTINAL. Identifiers: MedGen C2713442, MONDO:0021056, OMIM 175100. Disease mechanism: loss of function.
Carcinoma of colon (CRC). Also called: Colon carcinoma; Colonic carcinoma. Identifiers: MedGen C0699790, MONDO:0002032.

Allele frequency attached by ClinVar (database versions not stated): gnomAD 0.00001; TOPMed 0.00001; ExAC 0.00009; gnomAD exomes 0.00003 and 0.00005.
gnomAD v4.1: 41 of 1,608,916 alleles (0.0025%); highest among the groups gnomAD compares: South Asian, 0.041%; 1 homozygote.

Submissions (7):

Labcorp Genetics (formerly Invitae), Labcorp
Classification: Likely benign for Familial adenomatous polyposis 1. Last evaluated: 2026-02-03. Review status: criteria provided, single submitter. Criteria: Invitae Variant Classification Sherloc (09022015). Collection method: clinical testing. Allele origin: germline.

Myriad Genetics, Inc.
Classification: Benign for Familial adenomatous polyposis 1. Last evaluated: 2025-02-04. Review status: criteria provided, single submitter. Criteria: Myriad Autosomal Dominant, Autosomal Recessive and X-Linked Classification Criteria (2023). Collection method: clinical testing. Allele origin: unknown.
Comment: This variant is considered benign. This variant is intronic and is not expected to impact mRNA splicing. This variant has been observed at a population frequency that is significantly greater than expected given the associated disease prevalence and penetrance.

Sema4
Classification: Likely benign for Hereditary cancer-predisposing syndrome. Last evaluated: 2020-09-25. Review status: criteria provided, single submitter. Criteria: Sema4 Curation Guidelines. Collection method: curation. Allele origin: germline.

Ambry Genetics
Classification: Likely benign for Hereditary cancer-predisposing syndrome. Last evaluated: 2020-03-30. Review status: criteria provided, single submitter. Criteria: Ambry Variant Classification Scheme 2023. Collection method: clinical testing. Allele origin: germline.

GeneDx
Classification: Likely benign. Last evaluated: 2019-07-29. Review status: criteria provided, single submitter. Criteria: GeneDx Variant Classification Process June 2021. Collection method: clinical testing. Allele origin: germline. Affected: yes.
Comment: This variant is associated with the following publications: (PMID: 23085758)

Color Diagnostics, LLC DBA Color Health
Classification: Likely benign for Hereditary cancer-predisposing syndrome. Last evaluated: 2017-04-05. Review status: criteria provided, single submitter. Criteria: ACMG Guidelines, 2015. Collection method: clinical testing. Allele origin: germline.

Department of Pathology and Laboratory Medicine, Sinai Health System
Classification: Uncertain significance for Carcinoma of colon. Review status: no assertion criteria provided. Collection method: clinical testing. Allele origin: unknown. Affected: yes. Study: The Canadian Open Genetics Repository (COGR). Not counted in ClinVar's aggregate classification.
Comment: The APC c.1958+5A>G variant was not identified in the literature nor was it identified in the LOVD 3.0 and UMD-LSDB. The variant was identified in dbSNP (rs762899641) as â€šÃ„Ãºwith uncertain significance alleleâ€šÃ„Ã¹, ClinVar (interpreted as "likely benign" by Color and 1 other, and "uncertain significance" by Invitae and 1 other). The variant was identified in control databases in 13 of 271,260 chromosomes (1 homozygous) at a frequency of 0.00005 (Genome Aggregation Database Feb 27, 2017). The variant was observed in the following populations: Other in 1 of 6354 chromosomes (freq: 0.0002), European in 1 of 122,856 chromosomes (freq: 0.000008), and South Asian in 11 of 30,258 chromosomes (freq: 0.0004). The variant was not observed in the African, Latino, Ashkenazi Jewish, East Asian, and Finnish populations. The c.1958+5A>G variant is located in the 5' splice region but does not affect the invariant +1 and +2 positions. However, positions +3 to +6 are part of the splicing consensus sequence and variants involving these positions sometimes affect splicing. In addition 4 of 4 in silico or computational prediction software programs (SpliceSiteFinder, MaxEntScan, NNSPLICE, GeneSplicer) predict a greater than 10% difference in splicing. However, this information is not predictive enough to assume pathogenicity. In summary, based on the above information the clinical significance of this variant cannot be determined with certainty at this time. This variant is classified as a variant of uncertain significance.